The following is an entry in ClinVar:

ClinVar aggregate classification (germline): Likely benign. Review status: criteria provided, multiple submitters, no conflicts (2 of 4 stars). 3 submissions from 3 submitters: Likely benign (3). Last evaluated 2025-07-28.

Conditions:
Developmental and epileptic encephalopathy, 5 (DEE5). Identifiers: Orphanet 3451, MedGen C3150731, MONDO:0013277, OMIM 613477.
Early-infantile DEE. Also called: Early infantile epileptic encephalopathy with suppression bursts; Early infantile epileptic encephalopathy; Ohtahara syndrome. Identifiers: Orphanet 1934, MedGen C0393706, MONDO:0800491.

Allele frequency attached by ClinVar (database versions not stated): gnomAD exomes below 0.00001; gnomAD 0.00001; TOPMed 0.00001; 1000 Genomes Project 30x 0.00031.
gnomAD v4.1: 8 of 1,614,184 alleles (0.0005%); highest among the groups gnomAD compares: African/African-American, 0.004%; no homozygotes.

Submissions (3):

Labcorp Genetics (formerly Invitae), Labcorp
Classification: Likely benign for Early-infantile DEE. Last evaluated: 2025-07-28. Review status: criteria provided, single submitter. Criteria: Invitae Variant Classification Sherloc (09022015). Collection method: clinical testing. Allele origin: germline.

Genome-Nilou Lab
Classification: Likely benign for Developmental and epileptic encephalopathy, 5. Last evaluated: 2021-07-15. Review status: criteria provided, single submitter. Criteria: ACMG Guidelines, 2015. Collection method: clinical testing. Allele origin: germline. Affected: no.

GeneDx
Classification: Likely benign. Last evaluated: 2016-10-24. Review status: criteria provided, single submitter. Criteria: GeneDx Variant Classification (06012015). Collection method: clinical testing. Allele origin: germline. Affected: yes.
Comment: This variant is considered likely benign or benign based on one or more of the following criteria: it is a conservative change, it occurs at a poorly conserved position in the protein, it is predicted to be benign by multiple in silico algorithms, and/or has population frequency not consistent with disease.

NM_001130438.3(SPTAN1):c.1824A>G (p.Gln608=)

Gene: SPTAN1 (spectrin alpha, non-erythrocytic 1; plus strand). Cytogenetic location: 9q34.11.
Variant type: single nucleotide variant.
Coding change: c.1824A>G on transcript NM_001130438.3 (MANE Select); coding-DNA position 1824, A replaced by G.
Protein change: p.Gln608=; no amino-acid change (glutamine 608 retained).
Molecular consequence: synonymous variant.
Genome position (GRCh38, 1-based): chr9:128,583,094, A>G. VCF-style: chr9-128583094-A-G. GRCh37 (hg19) VCF-style: chr9-131345373-A-G.
Other names: c.1824A>G, p.Gln608= (NM_001195532.2, NM_001363759.2, NM_001363765.2 and 1 more transcripts).
Identifiers: ClinVar variation 390322 (VCV000390322.14), dbSNP rs1057523726, ClinGen allele CA16605351.